The following is an entry in ClinVar:

ClinVar aggregate classification (germline): Uncertain significance (1 of 4 stars; one submission).

Conditions:
MN1-related disorder. Also called: MN1-related condition.

gnomAD v4.1: 86 of 1,521,406 alleles (0.0057%); highest among the groups gnomAD compares: Non-Finnish European, 0.0075%; no homozygotes.

Submission:

PreventionGenetics, part of Exact Sciences
Classification: Uncertain significance for MN1-related condition. Last evaluated: 2026-02-16. Review status: criteria provided, single submitter. Criteria: ACMG Guidelines, 2015. Collection method: clinical testing. Allele origin: germline.
Comment: The MN1 c.2292C>A variant is predicted to result in the amino acid substitution p.Asn764Lys. To our knowledge, this variant has not been reported in the literature. This variant is reported in 0.0075% of alleles in individuals of European (Non-Finnish) descent in gnomAD. At this time, the clinical significance of this variant is uncertain due to the absence of conclusive functional and genetic evidence.

NM_002430.3(MN1):c.2292C>A (p.Asn764Lys)

Gene: MN1 (MN1 proto-oncogene, transcriptional regulator; minus strand). Cytogenetic location: 22q12.1.
Variant type: single nucleotide variant.
Coding change: c.2292C>A on transcript NM_002430.3 (MANE Select); coding-DNA position 2292, C replaced by A.
Protein change: p.Asn764Lys; replaces asparagine 764 with lysine.
Molecular consequence: missense variant.
Genome position (GRCh38, 1-based): chr22:27,798,252, G>T on the plus strand (C>A on the coding strand, the complement: MN1 is on the minus strand). VCF-style: chr22-27798252-G-T. GRCh37 (hg19) VCF-style: chr22-28194240-G-T.
Other names: short protein forms N764K.
Identifiers: ClinVar variation 4986775 (VCV004986775.1).